The following is an entry in ClinVar:

NM_001130045.2(TTLL10):c.1974G>A (p.Pro658=)

Gene: TTLL10 (tubulin tyrosine ligase like 10; plus strand). Cytogenetic location: 1p36.33.
Variant type: single nucleotide variant.
Coding change: c.1974G>A on transcript NM_001130045.2 (MANE Select); coding-DNA position 1974, G replaced by A.
Protein change: p.Pro658=; no amino-acid change (proline 658 retained).
Molecular consequence: synonymous variant.
Genome position (GRCh38, 1-based): chr1:1,197,799, G>A. VCF-style: chr1-1197799-G-A. GRCh37 (hg19) VCF-style: chr1-1133179-G-A.
Other names: c.1974G>A, p.Pro658= (NM_001371649.1).
Identifiers: ClinVar variation 2637987 (VCV002637987.24), dbSNP rs758208807, ClinGen allele CA511925.

ClinVar aggregate classification (germline): Likely benign (1 of 4 stars; one submission).

Allele frequency attached by ClinVar (database versions not stated): 1000 Genomes Project 30x 0.00016; ExAC 0.00106.
gnomAD v4.1: 146 of 1,525,922 alleles (0.0096%); highest among the groups gnomAD compares: South Asian, 0.11%; 2 homozygotes.

Submission:

CeGaT Center for Human Genetics Tuebingen
Classification: Likely benign. Last evaluated: 2023-01-01. Review status: criteria provided, single submitter. Criteria: CeGaT Center For Human Genetics Tuebingen Variant Classification Criteria Version 2. Collection method: clinical testing. Allele origin: germline. Affected: yes. Observed: 1 variant allele.
Comment: TTLL10: BP4, BP7